The following is an entry in ClinVar:

ClinVar aggregate classification (germline): Likely pathogenic (1 of 4 stars; one submission).

Conditions:
Palmoplantar keratoderma, punctate type 1A (PPKP1A). Also called: PALMOPLANTAR KERATODERMA, PUNCTATE TYPE IA. Identifiers: Orphanet 79501, MedGen CN031225, MONDO:0007858, OMIM 148600.

Submission:

Baylor Genetics
Classification: Likely pathogenic for Palmoplantar keratoderma, punctate type 1A. Last evaluated: 2019-09-20. Review status: criteria provided, single submitter. Criteria: ACMG Guidelines, 2015. Collection method: clinical testing. Allele origin: unknown. Affected: yes.
Comment: This variant was determined to be likely pathogenic according to ACMG Guidelines, 2015 [PMID:25741868].

NM_024666.5(AAGAB):c.870+1G>T

Gene: AAGAB (alpha and gamma adaptin binding protein; minus strand). Cytogenetic location: 15q23.
Variant type: single nucleotide variant.
Coding change: c.870+1G>T on transcript NM_024666.5 (MANE Select); the canonical splice donor site of the intron after coding-DNA position 870, G replaced by T.
Molecular consequence: splice donor variant.
Genome position (GRCh38, 1-based): chr15:67,203,547, C>A on the plus strand (G>T on the coding strand, the complement: AAGAB is on the minus strand). VCF-style: chr15-67203547-C-A. GRCh37 (hg19) VCF-style: chr15-67495885-C-A.
Other names: c.543+1G>T (NM_001271885.2, NM_001271886.2).
Identifiers: ClinVar variation 1028839 (VCV001028839.1), dbSNP rs753247583, ClinGen allele CA392959960.